The following is an entry in ClinVar:

NM_004055.5(CAPN5):c.1475C>T (p.Pro492Leu)

Gene: CAPN5 (calpain 5; plus strand). Cytogenetic location: 11q13.5.
Variant type: single nucleotide variant.
Coding change: c.1475C>T on transcript NM_004055.5 (MANE Select); coding-DNA position 1475, C replaced by T.
Protein change: p.Pro492Leu; replaces proline 492 with leucine.
Molecular consequence: missense variant.
Genome position (GRCh38, 1-based): chr11:77,120,897, C>T. VCF-style: chr11-77120897-C-T. GRCh37 (hg19) VCF-style: chr11-76831943-C-T.
Other names: short protein forms P492L.
Identifiers: ClinVar variation 852009 (VCV000852009.7), dbSNP rs112872387, ClinGen allele CA6196822.

ClinVar aggregate classification (germline): Uncertain significance (1 of 4 stars; one submission).

Allele frequency attached by ClinVar (database versions not stated): gnomAD exomes 0.00001 and 0.00002; ExAC 0.00002; gnomAD 0.00007 and 0.00008; TOPMed 0.00011.
gnomAD v4.1: 48 of 1,612,646 alleles (0.003%); highest among the groups gnomAD compares: African/African-American, 0.024%; no homozygotes.

Submission:

Labcorp Genetics (formerly Invitae), Labcorp
Classification: Uncertain significance. Last evaluated: 2025-08-06. Review status: criteria provided, single submitter. Criteria: Invitae Variant Classification Sherloc (09022015). Collection method: clinical testing. Allele origin: germline.
Comment: This sequence change replaces proline, which is neutral and non-polar, with leucine, which is neutral and non-polar, at codon 492 of the CAPN5 protein (p.Pro492Leu). This variant is present in population databases (rs112872387, gnomAD 0.02%). This variant has not been reported in the literature in individuals affected with CAPN5-related conditions. ClinVar contains an entry for this variant (Variation ID: 852009). Invitae Evidence Modeling of protein sequence and biophysical properties (such as structural, functional, and spatial information, amino acid conservation, physicochemical variation, residue mobility, and thermodynamic stability) indicates that this missense variant is not expected to disrupt CAPN5 protein function with a negative predictive value of 80%. In summary, the available evidence is currently insufficient to determine the role of this variant in disease. Therefore, it has been classified as a Variant of Uncertain Significance.